The following is an entry in ClinVar:

ClinVar aggregate classification (germline): Pathogenic (1 of 4 stars; one submission).

Conditions:
Inherited breast cancer and ovarian cancer.

Submission:

Genetics Laboratory, Great Ormond Street Hospital NHS Foundation Trust, North Thames Genomic Laboratory Hub
Classification: Pathogenic for Inherited breast cancer and ovarian cancer. Last evaluated: 2026-04-28. Review status: criteria provided, single submitter. Criteria: CanVIG BRCA Gene Specific V1.22. Collection method: clinical testing. Allele origin: germline. Affected: yes.
Comment: PM2_moderate, PVS1_very-strong, PM5_strong

NM_000059.4(BRCA2):c.3152T>A (p.Leu1051Ter)

Gene: BRCA2 (BRCA2 DNA repair associated; plus strand). Cytogenetic location: 13q13.1.
Variant type: single nucleotide variant.
Coding change: c.3152T>A on transcript NM_000059.4 (MANE Select); coding-DNA position 3152, T replaced by A.
Protein change: p.Leu1051Ter; replaces leucine 1051 with a stop codon.
Molecular consequence: nonsense. On other transcripts: non-coding transcript variant (1), intron variant (2).
Genome position (GRCh38, 1-based): chr13:32,337,507, T>A. VCF-style: chr13-32337507-T-A. GRCh37 (hg19) VCF-style: chr13-32911644-T-A.
Other names: c.3152T>A, p.Leu1051Ter (NM_001406719.1, NM_001406720.1, NM_001432077.1); c.1909+4120T>A (NM_001406721.1); c.424+6477T>A (NM_001406722.1); short protein forms L1051*.
Identifiers: ClinVar variation 4857010 (VCV004857010.1).
Genomic context (GRCh38, chr13:32,337,507, plus strand): 5'-TCAAAGATATTGAAGAACAATATCCTACTAGTTTAGCTTGTGTTGAAATTGTAAATACCT[T>A]GGCATTAGATAATCAAAAGAAACTGAGCAAGCCTCAGTCAATTAATACTGTATCTGCACA-3'